The following is an entry in ClinVar:

NM_022089.4(ATP13A2):c.1617G>T (p.Leu539=)

Gene: ATP13A2 (ATPase cation transporting 13A2; minus strand). Cytogenetic location: 1p36.13.
Variant type: single nucleotide variant.
Coding change: c.1617G>T on transcript NM_022089.4 (MANE Select); coding-DNA position 1617, G replaced by T.
Protein change: p.Leu539=; no amino-acid change (leucine 539 retained).
Molecular consequence: synonymous variant.
Genome position (GRCh38, 1-based): chr1:16,993,761, C>A on the plus strand (G>T on the coding strand, the complement: ATP13A2 is on the minus strand). VCF-style: chr1-16993761-C-A. GRCh37 (hg19) VCF-style: chr1-17320256-C-A.
Other names: p.Leu539=; c.1602G>T, p.Leu534= (NM_001141973.3, NM_001141974.3).
Identifiers: ClinVar variation 128464 (VCV000128464.65), dbSNP rs61739752, ClinGen allele CA151944.

ClinVar aggregate classification (germline): Benign. Review status: criteria provided, multiple submitters, no conflicts (2 of 4 stars). 10 submissions from 10 submitters: Benign (10). Last evaluated 2026-01-28.

Conditions:
Autosomal recessive spastic paraplegia type 78. Identifiers: Orphanet 513436, MedGen C5567893, MONDO:0014975, OMIM 617225.
Kufor-Rakeb syndrome (KRS). Also called: PARKINSON DISEASE 9, AUTOSOMAL RECESSIVE, JUVENILE-ONSET. Identifiers: Orphanet 306674, Orphanet 314632, MedGen C1847640, MONDO:0011706, OMIM 606693.
Inborn genetic diseases. Identifiers: MedGen C0950123, MeSH D030342.

Allele frequency attached by ClinVar (database versions not stated): gnomAD 0.01162 and 0.01259; ExAC 0.00822; ESP Exome Variant Server 0.01369; 1000 Genomes Project 0.01118; gnomAD exomes 0.00127 and 0.00320; 1000 Genomes Project 30x 0.01296; TOPMed 0.01360.
gnomAD v4.1: 3,688 of 1,590,462 alleles (0.23%); highest among the groups gnomAD compares: African/African-American, 3.8%; 50 homozygotes.

Submissions (18):

Labcorp Genetics (formerly Invitae), Labcorp
Classification: Benign for Kufor-Rakeb syndrome; Autosomal recessive spastic paraplegia type 78. Last evaluated: 2026-01-28. Review status: criteria provided, single submitter. Criteria: Invitae Variant Classification Sherloc (09022015). Collection method: clinical testing. Allele origin: germline.

Mayo Clinic Laboratories, Mayo Clinic
Classification: Benign. Last evaluated: 2023-06-19. Review status: criteria provided, single submitter. Criteria: ACMG Guidelines, 2015. Collection method: clinical testing. Allele origin: germline. Observed: 6 variant alleles.
Comment: BS1, BS2, BP4, BP7

GeneDx
Classification: Benign. Last evaluated: 2018-10-31. Review status: criteria provided, single submitter. Criteria: GeneDx Variant Classification Process June 2021. Collection method: clinical testing. Allele origin: germline. Affected: yes.

Illumina Laboratory Services, Illumina
Classification: Benign for Kufor-Rakeb syndrome. Last evaluated: 2018-01-13. Review status: criteria provided, single submitter. Criteria: ICSL Variant Classification Criteria 13 December 2019. Collection method: clinical testing. Allele origin: germline.
Comment: This variant was observed in the ICSL laboratory as part of a predisposition screen in an ostensibly healthy population. It had not been previously curated by ICSL or reported in the Human Gene Mutation Database (HGMD: prior to June 1st, 2018), and was therefore a candidate for classification through an automated scoring system. Utilizing variant allele frequency, disease prevalence and penetrance estimates, and inheritance mode, an automated score was calculated to assess if this variant is too frequent to cause the disease. Based on the score and internal cut-off values, a variant classified as benign is not then subjected to further curation. The score for this variant resulted in a classification of benign for this disease.

Athena Diagnostics
Classification: Benign. Last evaluated: 2017-09-06. Review status: criteria provided, single submitter. Criteria: Athena Diagnostics Criteria. Collection method: clinical testing. Allele origin: germline.

Ambry Genetics
Classification: Benign for Inborn genetic diseases. Last evaluated: 2016-03-21. Review status: criteria provided, single submitter. Criteria: Ambry Variant Classification Scheme 2023. Collection method: clinical testing. Allele origin: germline.

Eurofins Ntd Llc (ga)
Classification: Benign. Last evaluated: 2014-11-08. Review status: criteria provided, single submitter. Criteria: EGL Classification Definitions 2015. Collection method: clinical testing. Allele origin: germline. Observed: 2 variant alleles, 2 heterozygotes.

Genetic Services Laboratory, University of Chicago
Classification: Benign for AllHighlyPenetrant. Last evaluated: 2013-08-15. Review status: criteria provided, single submitter. Criteria: ACMG Guidelines, 2007. Collection method: clinical testing. Allele origin: germline. Inheritance: Autosomal recessive inheritance.

Breakthrough Genomics
Classification: Benign. Review status: criteria provided, single submitter. Criteria: ACMG Guidelines, 2015. Collection method: not provided. Allele origin: germline. Inheritance: Autosomal recessive inheritance. Affected: yes.

PreventionGenetics, part of Exact Sciences
Classification: Benign. Review status: criteria provided, single submitter. Criteria: ACMG Guidelines, 2015. Collection method: clinical testing. Allele origin: germline.

Dr. Peter K. Rogan Lab, Western University
No classification provided (evidence only). Condition: Uterine corpus endometrial carcinoma. Review status: no classification provided. Collection method: in vitro. Allele origin: not applicable. Functional consequence: skipped exon, retained intron. Not counted in ClinVar's aggregate classification.

Dr. Peter K. Rogan Lab, Western University
No classification provided (evidence only). Condition: Cervical cancer. Review status: no classification provided. Collection method: in vitro. Allele origin: not applicable. Functional consequence: retained intron. Not counted in ClinVar's aggregate classification.

Dr. Peter K. Rogan Lab, Western University
No classification provided (evidence only). Condition: Gastric cancer. Review status: no classification provided. Collection method: in vitro. Allele origin: not applicable. Functional consequence: skipped exon, retained intron. Not counted in ClinVar's aggregate classification.

Dr. Peter K. Rogan Lab, Western University
No classification provided (evidence only). Condition: Malignant tumor of esophagus. Review status: no classification provided. Collection method: in vitro. Allele origin: not applicable. Functional consequence: skipped exon. Not counted in ClinVar's aggregate classification.

Dr. Peter K. Rogan Lab, Western University
No classification provided (evidence only). Condition: Malignant tumor of esophagus. Review status: no classification provided. Collection method: in vitro. Allele origin: not applicable. Functional consequence: skipped exon. Not counted in ClinVar's aggregate classification.

Dr. Peter K. Rogan Lab, Western University
No classification provided (evidence only). Condition: Lung cancer. Review status: no classification provided. Collection method: in vitro. Allele origin: not applicable. Functional consequence: retained intron. Not counted in ClinVar's aggregate classification.

Dr. Peter K. Rogan Lab, Western University
No classification provided (evidence only). Condition: Acute myeloid leukemia. Review status: no classification provided. Collection method: in vitro. Allele origin: not applicable. Functional consequence: retained intron. Not counted in ClinVar's aggregate classification.

Dr. Peter K. Rogan Lab, Western University
No classification provided (evidence only). Condition: Colon adenocarcinoma. Review status: no classification provided. Collection method: in vitro. Allele origin: not applicable. Functional consequence: skipped exon. Not counted in ClinVar's aggregate classification.